The following is an entry in ClinVar:

ClinVar aggregate classification (germline): Uncertain significance (1 of 4 stars; one submission).

Submission:

Dasa
Classification: Uncertain significance. Last evaluated: 2025-02-26. Review status: criteria provided, single submitter. Criteria: DASA Assertion Criteria. Collection method: clinical testing. Allele origin: germline.
Comment: NM_001145065.2(CCSER1):c.2645_2646dup (p.Leu883Phefs*14) is a frameshift variant in CCSER1 predicted to alter the reading frame and introduce a premature termination codon. This variant is absent from population databases. The currently available literature and clinical evidence are not sufficient to establish a definitive association between this variant and the reported condition. Therefore, this variant is classified as a variant of uncertain significance.

NM_001145065.2(CCSER1):c.2645_2646dup (p.Leu883fs)

Gene: CCSER1 (coiled-coil serine rich protein 1; plus strand). Cytogenetic location: 4q22.1.
Variant type: Duplication.
Coding change: c.2645_2646dup on transcript NM_001145065.2 (MANE Select); coding-DNA positions 2645 to 2646, 2 bases duplicated (TT; older notation c.2645_2646dupTT).
Protein change: p.Leu883fs; shifts the reading frame from leucine 883.
Molecular consequence: frameshift variant.
Genome position (GRCh38, 1-based): chr4:91,598,999-91,599,000, TT duplicated; duplicating any 2 consecutive bases within chr4:91,598,998-91,599,000 gives the same sequence; the c. name uses the placement nearest the transcript's 3' end. VCF-style (leftmost placement, unchanged base first): chr4-91598997-G-GTT. GRCh37 (hg19) VCF-style: chr4-92520148-G-GTT.
Other names: short protein forms L883fs.
Identifiers: ClinVar variation 4883960 (VCV004883960.2).